The following is an entry in ClinVar:

NM_001008537.3(NEXMIF):c.589G>T (p.Glu197Ter)

Gene: NEXMIF (neurite extension and migration factor; minus strand). Cytogenetic location: Xq13.3.
Variant type: single nucleotide variant.
Coding change: c.589G>T on transcript NM_001008537.3 (MANE Select); coding-DNA position 589, G replaced by T.
Protein change: p.Glu197Ter; replaces glutamic acid 197 with a stop codon.
Molecular consequence: nonsense.
Genome position (GRCh38, 1-based): chrX:74,743,968, C>A on the plus strand (G>T on the coding strand, the complement: NEXMIF is on the minus strand). VCF-style: chrX-74743968-C-A. GRCh37 (hg19) VCF-style: chrX-73963803-C-A.
Other names: short protein forms E197*.
Identifiers: ClinVar variation 933462 (VCV000933462.3), dbSNP rs2080117161, ClinGen allele CA413672986.
Genomic context (GRCh38, chrX:74,743,968, plus strand): 5'-TGTCTCCTGCCCTTGACTTATGCAGGGGGAAGCCTAGGAGCTGGTCTGAGAGCAGCTGCT[C>A]TCCATATTTCATATTTTCTCCAGCATTAATACACTGAATCCCTATATCAGAGACTGCACA-3'

ClinVar aggregate classification (germline): Pathogenic (1 of 4 stars; one submission).

Submission:

Labcorp Genetics (formerly Invitae), Labcorp
Classification: Pathogenic. Last evaluated: 2019-08-25. Review status: criteria provided, single submitter. Criteria: Invitae Variant Classification Sherloc (09022015). Collection method: clinical testing. Allele origin: germline.
Comment: This sequence change creates a premature translational stop signal (p.Glu197*) in the NEXMIF gene. It is expected to result in an absent or disrupted protein product. This variant is not present in population databases (ExAC no frequency). This variant has not been reported in the literature in individuals with NEXMIF-related conditions. Loss-of-function variants in NEXMIF are known to be pathogenic (PMID: 23615299). For these reasons, this variant has been classified as Pathogenic.

Literature cited by the submitters: PubMed 23615299.